The following is an entry in ClinVar:

NM_201525.4(ADGRG1):c.1298G>A (p.Arg433Gln)

Gene: ADGRG1 (adhesion G protein-coupled receptor G1; plus strand). Cytogenetic location: 16q21.
Variant type: single nucleotide variant.
Coding change: c.1298G>A on transcript NM_201525.4 (MANE Select); coding-DNA position 1298, G replaced by A.
Protein change: p.Arg433Gln; replaces arginine 433 with glutamine.
Molecular consequence: missense variant.
Genome position (GRCh38, 1-based): chr16:57,659,424, G>A. VCF-style: chr16-57659424-G-A. GRCh37 (hg19) VCF-style: chr16-57693336-G-A.
Other names: c.1298G>A, p.Arg433Gln (NM_001145770.3, NM_001145772.3, NM_001145774.3 and 7 more transcripts); c.1316G>A, p.Arg439Gln (NM_001145771.3, NM_001370428.1, NM_001370429.1 and 4 more transcripts); c.1313G>A, p.Arg438Gln (NM_001145773.3, NM_001370433.1, NM_001370434.1); c.806G>A, p.Arg269Gln (NM_001290142.2); c.791G>A, p.Arg264Gln (NM_001290143.2); c.773G>A, p.Arg258Gln (NM_001290144.2, NM_001370451.1, NM_001370453.1 and 1 more transcripts); c.1295G>A, p.Arg432Gln (NM_001370441.1); c.1142G>A, p.Arg381Gln (NM_001370442.1); short protein forms R264Q, R381Q, R258Q, R269Q, R432Q, R433Q, R438Q, R439Q.
Identifiers: ClinVar variation 1463243 (VCV001463243.5), dbSNP rs760698408, ClinGen allele CA8078730.
Genomic context (GRCh38, chr16:57,659,424, plus strand): 5'-CCCTCTCTACCTTCCCACACTGGCCCACCAGGGTGCCCCTGCCGTGCAGGAGGAAACCTC[G>A]GGACTACACCATCAAGGTGCACATGAACCTGCTGCTGGCCGTCTTCCTGCTGGACACGAG-3'
Protein context (NP_958933.1, residues 423-443): AAYLCSRRKP[Arg433Gln]DYTIKVHMNL

ClinVar aggregate classification (germline): Uncertain significance (1 of 4 stars; one submission).

Allele frequency attached by ClinVar (database versions not stated): ExAC 0.00001; gnomAD 0.00001; gnomAD exomes 0.00001.
gnomAD v4.1: 18 of 1,613,586 alleles (0.0011%); highest among the groups gnomAD compares: South Asian, 0.0022%; no homozygotes.

Submission:

Labcorp Genetics (formerly Invitae), Labcorp
Classification: Uncertain significance. Last evaluated: 2021-12-02. Review status: criteria provided, single submitter. Criteria: Invitae Variant Classification Sherloc (09022015). Collection method: clinical testing. Allele origin: germline.
Comment: This sequence change replaces arginine, which is basic and polar, with glutamine, which is neutral and polar, at codon 439 of the ADGRG1 protein (p.Arg439Gln). This variant is present in population databases (rs760698408, gnomAD 0.006%). This variant has not been reported in the literature in individuals affected with ADGRG1-related conditions. Algorithms developed to predict the effect of missense changes on protein structure and function are either unavailable or do not agree on the potential impact of this missense change (SIFT: "Deleterious"; PolyPhen-2: "Probably Damaging"; Align-GVGD: "Class C0"). In summary, the available evidence is currently insufficient to determine the role of this variant in disease. Therefore, it has been classified as a Variant of Uncertain Significance.